The following is an entry in ClinVar:

ClinVar aggregate classification (germline): Uncertain significance (1 of 4 stars; one submission).

Conditions:
Cardiovascular phenotype. Identifiers: MedGen CN230736.

Allele frequency attached by ClinVar (database versions not stated): gnomAD exomes below 0.00001; TOPMed 0.00001; gnomAD 0.00001.
gnomAD v4.1: 7 of 1,613,830 alleles (0.00043%); highest among the groups gnomAD compares: Non-Finnish European, 0.00059%; no homozygotes.

Submission:

Ambry Genetics
Classification: Uncertain significance for Cardiovascular phenotype. Last evaluated: 2026-05-20. Review status: criteria provided, single submitter. Criteria: Ambry Variant Classification Scheme 2023. Collection method: clinical testing. Allele origin: germline.
Comment: The c.10361G>A (p.R3454K) alteration is located in exon 38 (coding exon 38) of the ANK2 gene. This alteration results from a G to A substitution at nucleotide position 10361, causing the arginine (R) at amino acid position 3454 to be replaced by a lysine (K). Based on data from gnomAD, the A allele has an overall frequency of <0.001% (1/249462) total alleles studied. The highest observed frequency was 0.001% (1/112766) of European (non-Finnish) alleles. Based on insufficient or conflicting evidence, the clinical significance of this alteration remains unclear.

NM_001148.6(ANK2):c.10361G>A (p.Arg3454Lys)

Gene: ANK2 (ankyrin 2; plus strand). Cytogenetic location: 4q26.
Variant type: single nucleotide variant.
Coding change: c.10361G>A on transcript NM_001148.6 (MANE Select); coding-DNA position 10361, G replaced by A.
Protein change: p.Arg3454Lys; replaces arginine 3454 with lysine.
Molecular consequence: missense variant. On other transcripts: intron variant (68).
Genome position (GRCh38, 1-based): chr4:113,358,979, G>A. VCF-style: chr4-113358979-G-A. GRCh37 (hg19) VCF-style: chr4-114280135-G-A.
Other names: c.10127G>A, p.Arg3376Lys (NM_001386142.1); c.6761G>A, p.Arg2254Lys (NM_001386166.1); c.10502G>A, p.Arg3501Lys (NM_001386174.1); c.10478G>A, p.Arg3493Lys (NM_001386175.1); c.4412-1844G>A (NM_001386186.2, NM_001386148.2); c.4214-1844G>A (NM_001354269.3); c.4292-1844G>A (NM_001386187.2); c.4253-1844G>A (NM_001386147.1); and 35 more; short protein forms R2254K, R3454K, R3493K, R3376K, R3501K.
Identifiers: ClinVar variation 1772562 (VCV001772562.3), dbSNP rs1203468086, ClinGen allele CA357940243.